The following is an entry in ClinVar:

ClinVar aggregate classification (germline): Uncertain significance. Review status: criteria provided, single submitter (1 of 4 stars). 2 submissions from 2 submitters: Uncertain significance (1). 1 of the submissions does not count toward it. Last evaluated 2021-09-01.

Conditions:
Retinitis pigmentosa 25 (RP25). Identifiers: Orphanet 791, MedGen C1864446, MONDO:0011272, OMIM 602772.

Allele frequency attached by ClinVar (database versions not stated): gnomAD exomes below 0.00001 and 0.00001.
gnomAD v4.1: 1 of 1,551,520 alleles (0.000064%); highest among the groups gnomAD compares: South Asian, 0.0012%; no homozygotes.

Submissions (2):

Labcorp Genetics (formerly Invitae), Labcorp
Classification: Uncertain significance. Last evaluated: 2021-09-01. Review status: criteria provided, single submitter. Criteria: Invitae Variant Classification Sherloc (09022015). Collection method: clinical testing. Allele origin: germline.
Comment: This sequence change replaces asparagine with lysine at codon 2833 of the EYS protein (p.Asn2833Lys). The asparagine residue is highly conserved and there is a moderate physicochemical difference between asparagine and lysine. This variant is not present in population databases (ExAC no frequency). This variant has not been reported in the literature in individuals affected with EYS-related conditions. Algorithms developed to predict the effect of missense changes on protein structure and function are either unavailable or do not agree on the potential impact of this missense change (SIFT: "Deleterious"; PolyPhen-2: "Possibly Damaging"; Align-GVGD: "Class C0"). In summary, the available evidence is currently insufficient to determine the role of this variant in disease. Therefore, it has been classified as a Variant of Uncertain Significance.

Natera, Inc.
Classification: Uncertain significance for Retinitis pigmentosa type 25. Last evaluated: 2020-12-22. Review status: no assertion criteria provided. Collection method: clinical testing. Allele origin: germline. Not counted in ClinVar's aggregate classification.

NM_001142800.2(EYS):c.8499T>A (p.Asn2833Lys)

Genes: EYS (eyes shut homolog; minus strand), PHF3 (PHD finger protein 3; plus strand). Cytogenetic location: 6q12.
Variant type: single nucleotide variant.
Coding change: c.8499T>A on transcript NM_001142800.2 (MANE Select); coding-DNA position 8499, T replaced by A.
Protein change: p.Asn2833Lys; replaces asparagine 2833 with lysine.
Molecular consequence: missense variant. On other transcripts: 3 prime UTR variant (5).
Genome position (GRCh38, 1-based): chr6:63,721,532, A>T on the plus strand (T>A on the coding strand, the complement: EYS is on the minus strand). VCF-style: chr6-63721532-A-T. GRCh37 (hg19) VCF-style: chr6-64431428-A-T.
Other names: c.*7824A>T (NM_001290259.2, NM_001370348.2, NM_001370349.2 and 2 more transcripts); c.8562T>A, p.Asn2854Lys (NM_001292009.2); short protein forms N2833K, N2854K.
Identifiers: ClinVar variation 1060290 (VCV001060290.7), dbSNP rs1420315601, ClinGen allele CA364384631.